The following is an entry in ClinVar:

NM_001283009.2(RTEL1):c.3853G>A (p.Ala1285Thr)

Genes: RTEL1 (regulator of telomere elongation helicase 1; plus strand), RTEL1-TNFRSF6B (RTEL1-TNFRSF6B readthrough (NMD candidate); plus strand). Cytogenetic location: 20q13.33.
Variant type: single nucleotide variant.
Coding change: c.3853G>A on transcript NM_001283009.2 (MANE Select); coding-DNA position 3853, G replaced by A.
Protein change: p.Ala1285Thr; replaces alanine 1285 with threonine.
Molecular consequence: missense variant. On other transcripts: non-coding transcript variant (1), 3 prime UTR variant (3).
Genome position (GRCh38, 1-based): chr20:63,695,808, G>A. VCF-style: chr20-63695808-G-A. GRCh37 (hg19) VCF-style: chr20-62327161-G-A.
Other names: c.*23G>A (NM_001283010.1, NM_016434.4, NM_032957.5); short protein forms A1285T.
Identifiers: ClinVar variation 1407133 (VCV001407133.6), dbSNP rs760281201, ClinGen allele CA9966228.
Genomic context (GRCh38, chr20:63,695,808, plus strand): 5'-GACGTGTGCAGTGGGCCGGTTGTCTCACAGGCCTCTAGGATGTGCCCAGCCTGCCACACC[G>A]CCTCCAGGAAGCAGAGCGTCATGCAGGTCTTCTGGCCAGAGCCCCAGTGAGTGCCCACGG-3'
Protein context (NP_001269938.1, residues 1275-1295): ASRMCPACHT[Ala1285Thr]SRKQSVMQVF

ClinVar aggregate classification (germline): Uncertain significance. Review status: criteria provided, multiple submitters, no conflicts (2 of 4 stars). 2 submissions from 2 submitters: Uncertain significance (2). Last evaluated 2024-10-04.

Conditions:
Pulmonary fibrosis and/or bone marrow failure, Telomere-related, 3. Also called: PULMONARY FIBROSIS AND/OR BONE MARROW FAILURE SYNDROME, TELOMERE-RELATED, 3. Identifiers: Orphanet 2032, MedGen C4225346, MONDO:0014613, OMIM 616373.
Dyskeratosis congenita, autosomal recessive 5 (DKCB5). Identifiers: MedGen C3554656, MONDO:0014076, OMIM 615190.
Inborn genetic diseases. Identifiers: MedGen C0950123, MeSH D030342.

Allele frequency attached by ClinVar (database versions not stated): gnomAD exomes below 0.00001; TOPMed below 0.00001; gnomAD 0.00001; ExAC 0.00002.
gnomAD v4.1: 6 of 1,599,712 alleles (0.00038%); highest among the groups gnomAD compares: Admixed American, 0.0017%; no homozygotes.

Submissions (2):

Ambry Genetics
Classification: Uncertain significance for Inborn genetic diseases. Last evaluated: 2024-10-04. Review status: criteria provided, single submitter. Criteria: Ambry Variant Classification Scheme 2023. Collection method: clinical testing. Allele origin: germline.
Comment: The p.A1285T variant (also known as c.3853G>A), located in coding exon 34 of the RTEL1 gene, results from a G to A substitution at nucleotide position 3853. The alanine at codon 1285 is replaced by threonine, an amino acid with similar properties. This amino acid position is conserved. In addition, this alteration is predicted to be tolerated by in silico analysis. Based on the available evidence, the clinical significance of this variant remains unclear.

Labcorp Genetics (formerly Invitae), Labcorp
Classification: Uncertain significance for Dyskeratosis congenita, autosomal recessive 5; Pulmonary fibrosis and/or bone marrow failure, Telomere-related, 3. Last evaluated: 2022-06-20. Review status: criteria provided, single submitter. Criteria: Invitae Variant Classification Sherloc (09022015). Collection method: clinical testing. Allele origin: germline.
Comment: This sequence change replaces alanine, which is neutral and non-polar, with threonine, which is neutral and polar, at codon 1285 of the RTEL1 protein (p.Ala1285Thr). The frequency data for this variant in the population databases is considered unreliable, as metrics indicate poor data quality at this position in the gnomAD database. This variant has not been reported in the literature in individuals affected with RTEL1-related conditions. Algorithms developed to predict the effect of missense changes on protein structure and function (SIFT, PolyPhen-2, Align-GVGD) all suggest that this variant is likely to be tolerated. In summary, the available evidence is currently insufficient to determine the role of this variant in disease. Therefore, it has been classified as a Variant of Uncertain Significance.